The following is an entry in ClinVar:

NM_000447.3(PSEN2):c.883T>C (p.Ser295Pro)

Gene: PSEN2 (presenilin 2; plus strand). Cytogenetic location: 1q42.13.
Variant type: single nucleotide variant.
Coding change: c.883T>C on transcript NM_000447.3 (MANE Select); coding-DNA position 883, T replaced by C.
Protein change: p.Ser295Pro; replaces serine 295 with proline.
Molecular consequence: missense variant.
Genome position (GRCh38, 1-based): chr1:226,890,130, T>C. VCF-style: chr1-226890130-T-C. GRCh37 (hg19) VCF-style: chr1-227077831-T-C.
Other names: c.883T>C, p.Ser295Pro (NM_001437537.1, NM_012486.3); short protein forms S295P.
Identifiers: ClinVar variation 4742863 (VCV004742863.1).

ClinVar aggregate classification (germline): Uncertain significance (1 of 4 stars; one submission).

Conditions:
Alzheimer disease 4 (AD4). Identifiers: Orphanet 1020, MedGen C1847200, MONDO:0011743, OMIM 606889.

Submission:

Labcorp Genetics (formerly Invitae), Labcorp
Classification: Uncertain significance for Alzheimer disease 4. Last evaluated: 2026-01-31. Review status: criteria provided, single submitter. Criteria: Invitae Variant Classification Sherloc (09022015). Collection method: clinical testing. Allele origin: germline.
Comment: This sequence change replaces serine, which is neutral and polar, with proline, which is neutral and non-polar, at codon 295 of the PSEN2 protein (p.Ser295Pro). This variant is not present in population databases (gnomAD no frequency). This variant has not been reported in the literature in individuals affected with PSEN2-related conditions. Invitae Evidence Modeling of protein sequence and biophysical properties (such as structural, functional, and spatial information, amino acid conservation, physicochemical variation, residue mobility, and thermodynamic stability) indicates that this missense variant is expected to disrupt PSEN2 protein function with a positive predictive value of 80%. In summary, the available evidence is currently insufficient to determine the role of this variant in disease. Therefore, it has been classified as a Variant of Uncertain Significance.